The following is an entry in ClinVar:

NM_001848.3(COL6A1):c.1126C>T (p.Pro376Ser)

Gene: COL6A1 (collagen type VI alpha 1 chain; plus strand). Cytogenetic location: 21q22.3.
Variant type: single nucleotide variant.
Coding change: c.1126C>T on transcript NM_001848.3 (MANE Select); coding-DNA position 1126, C replaced by T.
Protein change: p.Pro376Ser; replaces proline 376 with serine.
Molecular consequence: missense variant.
Genome position (GRCh38, 1-based): chr21:45,992,016, C>T. VCF-style: chr21-45992016-C-T. GRCh37 (hg19) VCF-style: chr21-47411930-C-T.
Other names: short protein forms P376S.
Identifiers: ClinVar variation 4764247 (VCV004764247.1).

ClinVar aggregate classification (germline): Uncertain significance (1 of 4 stars; one submission).

Conditions:
Bethlem myopathy 1A. Also called: Bethlem myopathy 1; Bethlem Muscular Dystrophy; MYOPATHY, BENIGN CONGENITAL, WITH CONTRACTURES. Identifiers: Orphanet 610, MedGen CN029274, MONDO:0024530, OMIM 158810.

Submission:

Labcorp Genetics (formerly Invitae), Labcorp
Classification: Uncertain significance for Bethlem myopathy 1A. Last evaluated: 2026-01-14. Review status: criteria provided, single submitter. Criteria: Invitae Variant Classification Sherloc (09022015). Collection method: clinical testing. Allele origin: germline.
Comment: This sequence change replaces proline, which is neutral and non-polar, with serine, which is neutral and polar, at codon 376 of the COL6A1 protein (p.Pro376Ser). This variant is not present in population databases (gnomAD no frequency). This variant has not been reported in the literature in individuals affected with COL6A1-related conditions. Invitae Evidence Modeling of protein sequence and biophysical properties (such as structural, functional, and spatial information, amino acid conservation, physicochemical variation, residue mobility, and thermodynamic stability) indicates that this missense variant is not expected to disrupt COL6A1 protein function with a negative predictive value of 80%. In summary, the available evidence is currently insufficient to determine the role of this variant in disease. Therefore, it has been classified as a Variant of Uncertain Significance.